The following is an entry in ClinVar:

ClinVar aggregate classification (germline): Likely benign (0 of 4 stars; one submission).

Conditions:
CRB2-related disorder. Also called: CRB2-related disorders; CRB2-related condition.

gnomAD v4.1: 2 of 1,507,366 alleles (0.00013%); highest among the groups gnomAD compares: South Asian, 0.0012%; no homozygotes.

Submission:

PreventionGenetics, part of Exact Sciences
Classification: Likely benign for CRB2-related condition. Last evaluated: 2024-08-12. Review status: no assertion criteria provided. Collection method: clinical testing. Allele origin: germline.
Comment: This variant is classified as likely benign based on ACMG/AMP sequence variant interpretation guidelines (Richards et al. 2015 PMID: 25741868, with internal and published modifications).

NM_173689.7(CRB2):c.2697C>T (p.Ala899=)

Gene: CRB2 (crumbs cell polarity complex component 2; plus strand). Cytogenetic location: 9q33.3.
Variant type: single nucleotide variant.
Coding change: c.2697C>T on transcript NM_173689.7 (MANE Select); coding-DNA position 2697, C replaced by T.
Protein change: p.Ala899=; no amino-acid change (alanine 899 retained).
Molecular consequence: synonymous variant. On other transcripts: non-coding transcript variant (1).
Genome position (GRCh38, 1-based): chr9:123,373,228, C>T. VCF-style: chr9-123373228-C-T. GRCh37 (hg19) VCF-style: chr9-126135507-C-T.
Identifiers: ClinVar variation 3348867 (VCV003348867.1).
Genomic context (GRCh38, chr9:123,373,228, plus strand): 5'-CGCCGCGTTCAGCGGGCACAACGCGTCGTCAGGGCGCTTGCTCGGCGGCCTGTCGCTGGC[C>T]TTTCGCACGCGCGACTCCGAGGCCTGGCTGCTGCGTGCCGCGGCGGGCGCCCTGGAAGGC-3'
Protein context (NP_775960.4, residues 889-909): SGRLLGGLSL[Ala899=]FRTRDSEAWL